The following is an entry in ClinVar:

ClinVar aggregate classification (germline): Uncertain significance (0 of 4 stars; one submission).

Conditions:
Developmental and epileptic encephalopathy, 18 (DEE18). Also called: Early infantile epileptic encephalopathy 18. Identifiers: Orphanet 369894, MedGen C3809624, MONDO:0014201, OMIM 615476.

Submission:

Hong-Tao Li Lab, Institute of Brain Science and Brain-inspired Research, Shandong First Medical University & Shandong Academy of Medical Sciences China
Classification: Uncertain significance for Developmental and epileptic encephalopathy, 18. Review status: no assertion criteria provided. Collection method: research. Allele origin: germline. Inheritance: Autosomal recessive inheritance. Affected: yes. Observed: 1 variant allele, 1 homozygote.
Comment: Observed in affected individuals from a Pakistani neurodevelopmental-disorder research cohort of 263 individuals. Classification assigned using the ACMG/AMP framework.

NM_001365999.1(SZT2):c.6476T>C (p.Ile2159Thr)

Gene: SZT2 (SZT2 subunit of KICSTOR complex; plus strand). Cytogenetic location: 1p34.2.
Variant type: single nucleotide variant.
Coding change: c.6476T>C on transcript NM_001365999.1 (MANE Select); coding-DNA position 6476, T replaced by C.
Protein change: p.Ile2159Thr; replaces isoleucine 2159 with threonine.
Molecular consequence: missense variant.
Genome position (GRCh38, 1-based): chr1:43,437,870, T>C. VCF-style: chr1-43437870-T-C. GRCh37 (hg19) VCF-style: chr1-43903541-T-C.
Other names: c.6305T>C, p.Ile2102Thr (NM_015284.4); short protein forms I2102T, I2159T.
Identifiers: ClinVar variation 4884845 (VCV004884845.1).